The following is an entry in ClinVar:

NM_000051.4(ATM):c.4858_4859del (p.Gln1620fs)

Gene: ATM (ATM serine/threonine kinase; plus strand). Cytogenetic location: 11q22.3.
Variant type: Deletion.
Coding change: c.4858_4859del on transcript NM_000051.4 (MANE Select); coding-DNA positions 4858 to 4859, 2 bases deleted (CA; older notation c.4858_4859delCA).
Protein change: p.Gln1620fs; shifts the reading frame from glutamine 1620.
Molecular consequence: frameshift variant.
Genome position (GRCh38, 1-based): chr11:108,295,008-108,295,009, CA deleted; deleting any 2 consecutive bases within chr11:108,295,007-108,295,009 gives the same sequence; the c. name uses the placement nearest the transcript's 3' end. VCF-style (leftmost placement, unchanged base first): chr11-108295006-GAC-G. GRCh37 (hg19) VCF-style: chr11-108165733-GAC-G.
Other names: c.4858_4859del, p.Gln1620fs (NM_001351834.2); short protein forms Q1620fs.
Identifiers: ClinVar variation 3654609 (VCV003654609.4).

ClinVar aggregate classification (germline): Pathogenic/Likely pathogenic. Review status: criteria provided, multiple submitters, no conflicts (2 of 4 stars). 2 submissions from 2 submitters: Pathogenic (1); Likely pathogenic (1). Last evaluated 2025-11-17.

Conditions:
Ataxia-telangiectasia syndrome (AT). Also called: Ataxia-telangiectasia, complementation group D; AT, COMPLEMENTATION GROUP C; ATAXIA-TELANGIECTASIA, COMPLEMENTATION GROUP A; ATAXIA-TELANGIECTASIA, FRESNO VARIANT; Ataxia-telangiectasia; LOUIS-BAR SYNDROME. Identifiers: Orphanet 100, MedGen C0004135, MONDO:0008840, OMIM 208900.

Submissions (2):

Labcorp Genetics (formerly Invitae), Labcorp
Classification: Pathogenic for Ataxia-telangiectasia syndrome. Last evaluated: 2025-11-17. Review status: criteria provided, single submitter. Criteria: Invitae Variant Classification Sherloc (09022015). Collection method: clinical testing. Allele origin: germline.
Comment: This sequence change creates a premature translational stop signal (p.Gln1620Thrfs*5) in the ATM gene. It is expected to result in an absent or disrupted protein product. Loss-of-function variants in ATM are known to be pathogenic (PMID: 23807571, 25614872). This variant is not present in population databases (gnomAD no frequency). This variant has not been reported in the literature in individuals affected with ATM-related conditions. ClinVar contains an entry for this variant (Variation ID: 3654609). Algorithms developed to predict the effect of sequence changes on RNA splicing suggest that this variant may disrupt the consensus splice site. For these reasons, this variant has been classified as Pathogenic.

Dasa
Classification: Likely pathogenic. Last evaluated: 2025-06-08. Review status: criteria provided, single submitter. Criteria: DASA Assertion Criteria. Collection method: clinical testing. Allele origin: germline.
Comment: NM_000051.4(ATM):c.4858_4859del (p.Gln1620Thrfs*5) is a frameshift variant in ATM predicted to alter the reading frame and introduce a premature termination codon and is predicted to result in an absent or altered protein product. Loss of function is an established disease mechanism for ATM (PMID: 3574400; PMID: 27595995; PMID: 15928302). Also, this variant is absent from population databases. Based on the currently available evidence, this variant is classified as likely pathogenic.

Literature cited by the submitters: PubMed 23807571 (cited by Labcorp Genetics (formerly Invitae), Labcorp); PubMed 25614872 (cited by Labcorp Genetics (formerly Invitae), Labcorp); PubMed 3574400 (cited by Dasa); PubMed 27595995 (cited by Dasa); PubMed 15928302 (cited by Dasa).